The following is an entry in ClinVar:

ClinVar aggregate classification (germline): Uncertain significance. Review status: criteria provided, multiple submitters, no conflicts (2 of 4 stars). 4 submissions from 4 submitters: Uncertain significance (4). Last evaluated 2025-06-09.

Conditions:
PSTPIP1-related disorder. Also called: PSTPIP1-related condition.
Inborn genetic diseases. Identifiers: MedGen C0950123, MeSH D030342.
Pyogenic arthritis-pyoderma gangrenosum-acne syndrome (PAPA). Also called: FAMILIAL RECURRENT ARTHRITIS; PAPA SYNDROME. Identifiers: Orphanet 69126, MedGen C1858361, MONDO:0011462, OMIM 604416.

Allele frequency attached by ClinVar (database versions not stated): gnomAD exomes 0.00002 and 0.00003; ExAC 0.00006; gnomAD 0.00019 and 0.00024; 1000 Genomes Project 0.00020; TOPMed 0.00020; 1000 Genomes Project 30x 0.00031; ESP Exome Variant Server 0.00033.
gnomAD v4.1: 53 of 1,605,578 alleles (0.0033%); highest among the groups gnomAD compares: African/African-American, 0.055%; no homozygotes.

Submissions (4):

Labcorp Genetics (formerly Invitae), Labcorp
Classification: Uncertain significance for Pyogenic arthritis-pyoderma gangrenosum-acne syndrome. Last evaluated: 2025-06-09. Review status: criteria provided, single submitter. Criteria: Invitae Variant Classification Sherloc (09022015). Collection method: clinical testing. Allele origin: germline.
Comment: This sequence change replaces aspartic acid, which is acidic and polar, with asparagine, which is neutral and polar, at codon 369 of the PSTPIP1 protein (p.Asp369Asn). This variant is present in population databases (rs372261106, gnomAD 0.06%), and has an allele count higher than expected for a pathogenic variant. This variant has not been reported in the literature in individuals affected with PSTPIP1-related conditions. ClinVar contains an entry for this variant (Variation ID: 1022527). Invitae Evidence Modeling of protein sequence and biophysical properties (such as structural, functional, and spatial information, amino acid conservation, physicochemical variation, residue mobility, and thermodynamic stability) indicates that this missense variant is not expected to disrupt PSTPIP1 protein function with a negative predictive value of 80%. In summary, the available evidence is currently insufficient to determine the role of this variant in disease. Therefore, it has been classified as a Variant of Uncertain Significance.

PreventionGenetics, part of Exact Sciences
Classification: Uncertain significance for PSTPIP1-related condition. Last evaluated: 2025-01-23. Review status: criteria provided, single submitter. Criteria: ACMG Guidelines, 2015. Collection method: clinical testing. Allele origin: germline.
Comment: The PSTPIP1 c.1105G>A variant is predicted to result in the amino acid substitution p.Asp369Asn. To our knowledge, this variant has not been reported in the literature. This variant is reported in 0.061% of alleles in individuals of African descent in gnomAD. At this time, the clinical significance of this variant is uncertain due to the absence of conclusive functional and genetic evidence.

Ambry Genetics
Classification: Uncertain significance for Inborn genetic diseases. Last evaluated: 2023-06-27. Review status: criteria provided, single submitter. Criteria: Ambry Variant Classification Scheme 2023. Collection method: clinical testing. Allele origin: germline.

GeneDx
Classification: Uncertain significance. Last evaluated: 2019-08-23. Review status: criteria provided, single submitter. Criteria: GeneDx Variant Classification Process June 2021. Collection method: clinical testing. Allele origin: germline. Affected: yes.
Comment: In silico analysis, which includes protein predictors and evolutionary conservation, supports that this variant does not alter protein structure/function; Has not been previously published as pathogenic or benign to our knowledge

NM_003978.5(PSTPIP1):c.1105G>A (p.Asp369Asn)

Gene: PSTPIP1 (proline-serine-threonine phosphatase interacting protein 1; plus strand). Cytogenetic location: 15q24.3.
Variant type: single nucleotide variant.
Coding change: c.1105G>A on transcript NM_003978.5 (MANE Select); coding-DNA position 1105, G replaced by A.
Protein change: p.Asp369Asn; replaces aspartic acid 369 with asparagine.
Molecular consequence: missense variant. On other transcripts: non-coding transcript variant (1).
Genome position (GRCh38, 1-based): chr15:77,035,921, G>A. VCF-style: chr15-77035921-G-A. GRCh37 (hg19) VCF-style: chr15-77328262-G-A.
Other names: c.1048G>A, p.Asp350Asn (NM_001321135.2); c.1078G>A, p.Asp360Asn (NM_001321136.2); c.1300G>A, p.Asp434Asn (NM_001321137.1); c.1105G>A (NM_003978.4); short protein forms D350N, D360N, D369N, D434N.
Identifiers: ClinVar variation 1022527 (VCV001022527.13), dbSNP rs372261106, ClinGen allele CA7676163.